The following is an entry in ClinVar:

NM_000321.3(RB1):c.949C>T (p.Leu317Phe)

Gene: RB1 (RB transcriptional corepressor 1; plus strand). Cytogenetic location: 13q14.2.
Variant type: single nucleotide variant.
Coding change: c.949C>T on transcript NM_000321.3 (MANE Select); coding-DNA position 949, C replaced by T.
Protein change: p.Leu317Phe; replaces leucine 317 with phenylalanine.
Molecular consequence: missense variant.
Genome position (GRCh38, 1-based): chr13:48,367,503, C>T. VCF-style: chr13-48367503-C-T. GRCh37 (hg19) VCF-style: chr13-48941639-C-T.
Other names: c.949C>T, p.Leu317Phe (NM_001407165.1, NM_001407166.1); short protein forms L317F.
Identifiers: ClinVar variation 2836002 (VCV002836002.3), dbSNP rs2138120981, ClinGen allele CA388160603.

ClinVar aggregate classification (germline): Uncertain significance (1 of 4 stars; one submission).

Conditions:
Retinoblastoma (RB1). Also called: RETINOBLASTOMA, SOMATIC. Identifiers: Orphanet 790, MedGen C0035335, MeSH D012175, MONDO:0008380, OMIM 180200, HP:0009919. Disease mechanism: loss of function. Inheritance: Both sporadic and heritable forms are tested..

Submission:

Labcorp Genetics (formerly Invitae), Labcorp
Classification: Uncertain significance for Retinoblastoma. Last evaluated: 2023-03-04. Review status: criteria provided, single submitter. Criteria: Invitae Variant Classification Sherloc (09022015). Collection method: clinical testing. Allele origin: germline.
Comment: This variant is not present in population databases (gnomAD no frequency). This sequence change replaces leucine, which is neutral and non-polar, with phenylalanine, which is neutral and non-polar, at codon 317 of the RB1 protein (p.Leu317Phe). This variant has not been reported in the literature in individuals affected with RB1-related conditions. In summary, the available evidence is currently insufficient to determine the role of this variant in disease. Therefore, it has been classified as a Variant of Uncertain Significance. Advanced modeling of protein sequence and biophysical properties (such as structural, functional, and spatial information, amino acid conservation, physicochemical variation, residue mobility, and thermodynamic stability) performed at Invitae indicates that this missense variant is not expected to disrupt RB1 protein function.